The following is an entry in ClinVar:

ClinVar aggregate classification (germline): Uncertain significance (1 of 4 stars; one submission).

Conditions:
Hereditary cancer-predisposing syndrome. Also called: Tumor predisposition; Hereditary Cancer Syndrome; Hereditary neoplastic syndrome; Neoplastic Syndromes, Hereditary. Identifiers: Orphanet 140162, MedGen C0027672, MeSH D009386, MONDO:0015356.

Submission:

Ambry Genetics
Classification: Uncertain significance for Hereditary cancer-predisposing syndrome. Last evaluated: 2023-08-07. Review status: criteria provided, single submitter. Criteria: Ambry Variant Classification Scheme 2023. Collection method: clinical testing. Allele origin: germline.
Comment: The p.P72S variant (also known as c.214C>T), located in coding exon 1 of the MEN1 gene, results from a C to T substitution at nucleotide position 214. The proline at codon 72 is replaced by serine, an amino acid with similar properties. This amino acid position is conserved. In addition, the in silico prediction for this alteration is inconclusive. Since supporting evidence is limited at this time, the clinical significance of this alteration remains unclear.

NM_001370259.2(MEN1):c.214C>T (p.Pro72Ser)

Gene: MEN1 (menin 1; minus strand). Cytogenetic location: 11q13.1.
Variant type: single nucleotide variant.
Coding change: c.214C>T on transcript NM_001370259.2 (MANE Select); coding-DNA position 214, C replaced by T.
Protein change: p.Pro72Ser; replaces proline 72 with serine.
Molecular consequence: missense variant. On other transcripts: non-coding transcript variant (4).
Genome position (GRCh38, 1-based): chr11:64,809,896, G>A on the plus strand (C>T on the coding strand, the complement: MEN1 is on the minus strand). VCF-style: chr11-64809896-G-A. GRCh37 (hg19) VCF-style: chr11-64577368-G-A.
Other names: c.214C>T, p.Pro72Ser (NM_000244.4, NM_001370251.2, NM_001370260.2 and 20 more transcripts); short protein forms P72S.
Identifiers: ClinVar variation 2626595 (VCV002626595.2), dbSNP rs2136189196, ClinGen allele CA381187631.